The following is an entry in ClinVar:

ClinVar aggregate classification (germline): Uncertain significance (1 of 4 stars; one submission).

Submission:

Labcorp Genetics (formerly Invitae), Labcorp
Classification: Uncertain significance. Last evaluated: 2021-10-23. Review status: criteria provided, single submitter. Criteria: Invitae Variant Classification Sherloc (09022015). Collection method: clinical testing. Allele origin: germline.
Comment: In summary, the available evidence is currently insufficient to determine the role of this variant in disease. Therefore, it has been classified as a Variant of Uncertain Significance. This sequence change replaces histidine, a(n) basic and polar amino acid, with arginine, a(n) basic and polar amino acid, at codon 888 of the PACS2 protein (p.His888Arg). This variant is not present in population databases (gnomAD no frequency). This variant has not been reported in the literature in individuals affected with PACS2-related conditions. Algorithms developed to predict the effect of missense changes on protein structure and function are either unavailable or do not agree on the potential impact of this missense change (SIFT: "Deleterious"; PolyPhen-2: "Probably Damaging"; Align-GVGD: "Class C0").

NM_001100913.3(PACS2):c.2663A>G (p.His888Arg)

Gene: PACS2 (phosphofurin acidic cluster sorting protein 2; plus strand). Cytogenetic location: 14q32.33.
Variant type: single nucleotide variant.
Coding change: c.2663A>G on transcript NM_001100913.3 (MANE Select); coding-DNA position 2663, A replaced by G.
Protein change: p.His888Arg; replaces histidine 888 with arginine.
Molecular consequence: missense variant.
Genome position (GRCh38, 1-based): chr14:105,394,620, A>G. VCF-style: chr14-105394620-A-G. GRCh37 (hg19) VCF-style: chr14-105860957-A-G.
Other names: c.2393A>G, p.His798Arg (NM_001243127.3); c.2618A>G, p.His873Arg (NM_015197.4); short protein forms H798R, H888R, H873R.
Identifiers: ClinVar variation 1448744 (VCV001448744.6), dbSNP rs2141331282, ClinGen allele CA391190917.